The following is an entry in ClinVar:

ClinVar aggregate classification (germline): Benign/Likely benign. Review status: criteria provided, multiple submitters, no conflicts (2 of 4 stars). 2 submissions from 2 submitters: Benign (1); Likely benign (1). Last evaluated 2025-01-29.

Conditions:
Juvenile polyposis syndrome (JPS). Identifiers: Orphanet 2929, MedGen C0345893, MONDO:0017380, OMIM 174900.

Submissions (2):

Labcorp Genetics (formerly Invitae), Labcorp
Classification: Likely benign for Juvenile polyposis syndrome. Last evaluated: 2025-01-29. Review status: criteria provided, single submitter. Criteria: Invitae Variant Classification Sherloc (09022015). Collection method: clinical testing. Allele origin: germline.

Myriad Genetics, Inc.
Classification: Benign for Juvenile polyposis syndrome. Last evaluated: 2024-08-05. Review status: criteria provided, single submitter. Criteria: Myriad Autosomal Dominant, Autosomal Recessive and X-Linked Classification Criteria (2023). Collection method: clinical testing. Allele origin: unknown.
Comment: This variant is considered benign. This variant is a silent/synonymous amino acid change and it is not expected to impact splicing.

NM_004329.3(BMPR1A):c.915C>T (p.Leu305=)

Gene: BMPR1A (bone morphogenetic protein receptor type 1A; plus strand). Cytogenetic location: 10q23.2.
Variant type: single nucleotide variant.
Coding change: c.915C>T on transcript NM_004329.3 (MANE Select); coding-DNA position 915, C replaced by T.
Protein change: p.Leu305=; no amino-acid change (leucine 305 retained).
Molecular consequence: synonymous variant. On other transcripts: non-coding transcript variant (3).
Genome position (GRCh38, 1-based): chr10:86,919,218, C>T. VCF-style: chr10-86919218-C-T. GRCh37 (hg19) VCF-style: chr10-88678975-C-T.
Other names: c.990C>T, p.Leu330= (NM_001406559.1); c.963C>T, p.Leu321= (NM_001406560.1); c.915C>T, p.Leu305= (NM_001406561.1, NM_001406562.1, NM_001406563.1 and 19 more transcripts); c.909C>T, p.Leu303= (NM_001406583.1); c.831C>T, p.Leu277= (NM_001406584.1, NM_001406585.1, NM_001406586.1 and 2 more transcripts); c.573C>T, p.Leu191= (NM_001406589.1).
Identifiers: ClinVar variation 3378868 (VCV003378868.3).